The following is an entry in ClinVar:

NM_005359.6(SMAD4):c.624dup (p.Thr209fs)

Gene: SMAD4 (SMAD family member 4; plus strand). Cytogenetic location: 18q21.2.
Variant type: Duplication.
Coding change: c.624dup on transcript NM_005359.6 (MANE Select); coding-DNA position 624, one base duplicated (T; older notation c.624dupT).
Protein change: p.Thr209fs; shifts the reading frame from threonine 209.
Molecular consequence: frameshift variant. On other transcripts: non-coding transcript variant (2).
Genome position (GRCh38, 1-based): chr18:51,054,950, T duplicated. VCF-style (leftmost placement, unchanged base first): chr18-51054949-C-CT. GRCh37 (hg19) VCF-style: chr18-48581319-C-CT.
Other names: c.624dup, p.Thr209fs (NM_001407041.1, NM_001407042.1, NM_001407043.1); short protein forms T209fs.
Identifiers: ClinVar variation 3254368 (VCV003254368.1), dbSNP rs2511374701.

ClinVar aggregate classification (germline): Pathogenic (1 of 4 stars; one submission).

Conditions:
Juvenile polyposis/hereditary hemorrhagic telangiectasia syndrome (JPHT). Also called: JP/HHT SYNDROME; JUVENILE POLYPOSIS WITH HEREDITARY HEMORRHAGIC TELANGIECTASIA; POLYPOSIS, GENERALIZED JUVENILE, WITH PULMONARY ARTERIOVENOUS MALFORMATION; TELANGIECTASIA, HEREDITARY HEMORRHAGIC, WITH JUVENILE POLYPOSIS COLI; Juvenile Polyposis Syndrome / Hereditary Hemorrhagic Telangiectasia (JPS/HHT). Identifiers: Orphanet 2929, MedGen C1832942, MONDO:0008278, OMIM 175050.

Submission:

Myriad Genetics, Inc.
Classification: Pathogenic for Juvenile polyposis/hereditary hemorrhagic telangiectasia syndrome. Last evaluated: 2024-04-16. Review status: criteria provided, single submitter. Criteria: Myriad Autosomal Dominant, Autosomal Recessive and X-Linked Classification Criteria (2023). Collection method: clinical testing. Allele origin: unknown.
Comment: This variant is considered pathogenic. This variant creates a frameshift predicted to result in premature protein truncation.